The following is an entry in ClinVar:

NM_021008.4(DEAF1):c.1493A>C (p.Glu498Ala)

Genes: DEAF1 (DEAF1 transcription factor; minus strand), LOC126861109 (BRD4-independent group 4 enhancer GRCh37_chr11:673917-675116; plus strand). Cytogenetic location: 11p15.5.
Variant type: single nucleotide variant.
Coding change: c.1493A>C on transcript NM_021008.4 (MANE Select); coding-DNA position 1493, A replaced by C.
Protein change: p.Glu498Ala; replaces glutamic acid 498 with alanine.
Molecular consequence: missense variant.
Genome position (GRCh38, 1-based): chr11:674,546, T>G on the plus strand (A>C on the coding strand, the complement: DEAF1 is on the minus strand). VCF-style: chr11-674546-T-G. GRCh37 (hg19) VCF-style: chr11-674546-T-G.
Other names: c.1226A>C, p.Glu409Ala (NM_001293634.2); c.767A>C, p.Glu256Ala (NM_001367390.1); short protein forms E256A, E409A, E498A.
Identifiers: ClinVar variation 3650703 (VCV003650703.2).

ClinVar aggregate classification (germline): Uncertain significance (1 of 4 stars; one submission).

Submission:

Labcorp Genetics (formerly Invitae), Labcorp
Classification: Uncertain significance. Last evaluated: 2024-04-24. Review status: criteria provided, single submitter. Criteria: Invitae Variant Classification Sherloc (09022015). Collection method: clinical testing. Allele origin: germline.
Comment: This sequence change replaces glutamic acid, which is acidic and polar, with alanine, which is neutral and non-polar, at codon 498 of the DEAF1 protein (p.Glu498Ala). This variant is not present in population databases (gnomAD no frequency). This variant has not been reported in the literature in individuals affected with DEAF1-related conditions. Advanced modeling of protein sequence and biophysical properties (such as structural, functional, and spatial information, amino acid conservation, physicochemical variation, residue mobility, and thermodynamic stability) has been performed at Invitae for this missense variant, however the output from this modeling did not meet the statistical confidence thresholds required to predict the impact of this variant on DEAF1 protein function. In summary, the available evidence is currently insufficient to determine the role of this variant in disease. Therefore, it has been classified as a Variant of Uncertain Significance.